The following is an entry in ClinVar:

NM_000245.4(MET):c.576C>T (p.Phe192=)

Gene: MET (MET proto-oncogene, receptor tyrosine kinase; plus strand). Cytogenetic location: 7q31.2.
Variant type: single nucleotide variant.
Coding change: c.576C>T on transcript NM_000245.4 (MANE Select); coding-DNA position 576, C replaced by T.
Protein change: p.Phe192=; no amino-acid change (phenylalanine 192 retained).
Molecular consequence: synonymous variant. On other transcripts: intron variant (1).
Genome position (GRCh38, 1-based): chr7:116,699,660, C>T. VCF-style: chr7-116699660-C-T. GRCh37 (hg19) VCF-style: chr7-116339714-C-T.
Other names: c.576C>T (NM_001127500.1); c.576C>T, p.Phe192= (NM_001127500.3, NM_001324401.3); c.-91+27083C>T (NM_001324402.2).
Identifiers: ClinVar variation 1612212 (VCV001612212.10), dbSNP rs2116592376, ClinGen allele CA457447779.

ClinVar aggregate classification (germline): Benign/Likely benign. Review status: criteria provided, multiple submitters, no conflicts (2 of 4 stars). 3 submissions from 3 submitters: Benign (1); Likely benign (2). Last evaluated 2024-11-06.

Conditions:
Renal cell carcinoma. Identifiers: Orphanet 217071, MedGen C0007134, MeSH D002292, MONDO:0005086, HP:0005584.
Hereditary cancer-predisposing syndrome. Also called: Tumor predisposition; Hereditary Cancer Syndrome; Neoplastic Syndromes, Hereditary; Hereditary neoplastic syndrome. Identifiers: Orphanet 140162, MedGen C0027672, MeSH D009386, MONDO:0015356.
Papillary renal cell carcinoma type 1 (RCCP1). Also called: Renal adenocarcinoma; Renal cell carcinoma 1; Renal cell carcinoma, somatic; RENAL CELL CARCINOMA, PAPILLARY, 1, SOMATIC. Identifiers: Orphanet 47044, MedGen C1336839, OMIM 605074, HP:0011797.

Allele frequency attached by ClinVar (database versions not stated): gnomAD exomes below 0.00001.
gnomAD v4.1: 1 of 1,614,012 alleles (0.000062%); highest among the groups gnomAD compares: Non-Finnish European, 0.000085%; no homozygotes.

Submissions (3):

Myriad Genetics, Inc.
Classification: Benign for Papillary renal cell carcinoma type 1. Last evaluated: 2024-11-06. Review status: criteria provided, single submitter. Criteria: Myriad Autosomal Dominant, Autosomal Recessive and X-Linked Classification Criteria (2023). Collection method: clinical testing. Allele origin: unknown.
Comment: This variant is considered benign. This variant is a silent/synonymous amino acid change and it is not expected to impact splicing.

Ambry Genetics
Classification: Likely benign for Hereditary cancer-predisposing syndrome. Last evaluated: 2024-02-02. Review status: criteria provided, single submitter. Criteria: Ambry Variant Classification Scheme 2023. Collection method: clinical testing. Allele origin: germline.

Labcorp Genetics (formerly Invitae), Labcorp
Classification: Likely benign for Renal cell carcinoma. Last evaluated: 2022-08-03. Review status: criteria provided, single submitter. Criteria: Invitae Variant Classification Sherloc (09022015). Collection method: clinical testing. Allele origin: germline.